The following is an entry in ClinVar:

ClinVar aggregate classification (germline): Uncertain significance (1 of 4 stars; one submission).

Allele frequency attached by ClinVar (database versions not stated): TOPMed below 0.00001.

Submission:

Labcorp Genetics (formerly Invitae), Labcorp
Classification: Uncertain significance. Last evaluated: 2020-01-10. Review status: criteria provided, single submitter. Criteria: Invitae Variant Classification Sherloc (09022015). Collection method: clinical testing. Allele origin: germline.
Comment: This sequence change replaces leucine with proline at codon 190 of the CDHR1 protein (p.Leu190Pro). The leucine residue is highly conserved and there is a moderate physicochemical difference between leucine and proline. This variant is not present in population databases (ExAC no frequency). This variant has not been reported in the literature in individuals with CDHR1-related conditions. Algorithms developed to predict the effect of missense changes on protein structure and function are either unavailable or do not agree on the potential impact of this missense change (SIFT: "Deleterious"; PolyPhen-2: "Probably Damaging"; Align-GVGD: "Class C0"). In summary, the available evidence is currently insufficient to determine the role of this variant in disease. Therefore, it has been classified as a Variant of Uncertain Significance.

NM_033100.4(CDHR1):c.569T>C (p.Leu190Pro)

Gene: CDHR1 (cadherin related family member 1; plus strand). Cytogenetic location: 10q23.1.
Variant type: single nucleotide variant.
Coding change: c.569T>C on transcript NM_033100.4 (MANE Select); coding-DNA position 569, T replaced by C.
Protein change: p.Leu190Pro; replaces leucine 190 with proline.
Molecular consequence: missense variant.
Genome position (GRCh38, 1-based): chr10:84,201,850, T>C. VCF-style: chr10-84201850-T-C. GRCh37 (hg19) VCF-style: chr10-85961606-T-C.
Other names: c.569T>C, p.Leu190Pro (NM_001171971.3); short protein forms L190P.
Identifiers: ClinVar variation 1056440 (VCV001056440.9), dbSNP rs1842131543, ClinGen allele CA377372383.
Genomic context (GRCh38, chr10:84,201,850, plus strand): 5'-CCCCCTAATTCTTATAGAACCTGCACTCCCCATTTGCCGTGGACCGCCACAGCGGTGTGC[T>C]GCGCCTCCAGGCTGGGGCCACTCTGGACTACGAGAGGTCCCGGACCCACTACATCACCGT-3'
Protein context (NP_149091.1, residues 180-200): PFAVDRHSGV[Leu190Pro]RLQAGATLDY